The following is an entry in ClinVar:

NM_018136.5(ASPM):c.9471A>G (p.Glu3157=)

Gene: ASPM (assembly factor for spindle microtubules; minus strand). Cytogenetic location: 1q31.3.
Variant type: single nucleotide variant.
Coding change: c.9471A>G on transcript NM_018136.5 (MANE Select); coding-DNA position 9471, A replaced by G.
Protein change: p.Glu3157=; no amino-acid change (glutamic acid 3157 retained).
Molecular consequence: synonymous variant.
Genome position (GRCh38, 1-based): chr1:197,091,015, T>C on the plus strand (A>G on the coding strand, the complement: ASPM is on the minus strand). VCF-style: chr1-197091015-T-C. GRCh37 (hg19) VCF-style: chr1-197060145-T-C.
Other names: c.4716A>G, p.Glu1572= (NM_001206846.2).
Identifiers: ClinVar variation 510890 (VCV000510890.9), dbSNP rs764291332, ClinGen allele CA1308938.

ClinVar aggregate classification (germline): Likely benign. Review status: criteria provided, multiple submitters, no conflicts (2 of 4 stars). 3 submissions from 3 submitters: Likely benign (3). Last evaluated 2023-04-11.

Conditions:
Microcephaly 5, primary, autosomal recessive (MCPH5). Also called: ASPM Primary Microcephaly. Identifiers: Orphanet 2512, MedGen C1837501, MONDO:0012106, OMIM 608716.

Allele frequency attached by ClinVar (database versions not stated): gnomAD exomes 0.00001; ExAC 0.00002; gnomAD 0.00005 and 0.00006; TOPMed 0.00007.
gnomAD v4.1: 15 of 1,612,074 alleles (0.00093%); highest among the groups gnomAD compares: African/African-American, 0.02%; no homozygotes.

Submissions (3):

Genome-Nilou Lab
Classification: Likely benign for Microcephaly 5, primary, autosomal recessive. Last evaluated: 2023-04-11. Review status: criteria provided, single submitter. Criteria: ACMG Guidelines, 2015. Collection method: clinical testing. Allele origin: germline. Affected: no.

Labcorp Genetics (formerly Invitae), Labcorp
Classification: Likely benign. Last evaluated: 2022-03-02. Review status: criteria provided, single submitter. Criteria: Invitae Variant Classification Sherloc (09022015). Collection method: clinical testing. Allele origin: germline.

GeneDx
Classification: Likely benign. Last evaluated: 2017-07-14. Review status: criteria provided, single submitter. Criteria: GeneDx Variant Classification (06012015). Collection method: clinical testing. Allele origin: germline. Affected: yes.
Comment: This variant is considered likely benign or benign based on one or more of the following criteria: it is a conservative change, it occurs at a poorly conserved position in the protein, it is predicted to be benign by multiple in silico algorithms, and/or has population frequency not consistent with disease.